The following is an entry in ClinVar:

ClinVar aggregate classification (germline): Benign. Review status: criteria provided, multiple submitters, no conflicts (2 of 4 stars). 2 submissions from 2 submitters: Benign (2). Last evaluated 2024-07-15.

Submissions (2):

Unidad de Genómica Garrahan, Hospital de Pediatría Garrahan
Classification: Benign. Last evaluated: 2024-07-15. Review status: criteria provided, single submitter. Criteria: ACMG Guidelines, 2015. Collection method: clinical testing. Allele origin: germline. Affected: no. Observed: 47 variant alleles.
Comment: This variant is classified as Benign based on local population frequency. This variant was detected in 51% of patients studied in a panel designed for Epileptic and Developmental Encephalopathy and Progressive Myoclonus Epilepsy. Number of patients: 47. Only high quality variants are reported.

GeneDx
Classification: Benign. Last evaluated: 2020-07-14. Review status: criteria provided, single submitter. Criteria: GeneDx Variant Classification Process June 2021. Collection method: clinical testing. Allele origin: germline. Affected: yes.

NM_020401.4(NUP107):c.449-13dup

Gene: NUP107 (nucleoporin 107; plus strand). Cytogenetic location: 12q15.
Variant type: Duplication.
Coding change: c.449-13dup on transcript NM_020401.4 (MANE Select); 13 bases into the intron before coding-DNA position 449, one base duplicated (T; older notation c.449-13dupT).
Molecular consequence: intron variant.
Genome position (GRCh38, 1-based): chr12:68,696,806, T duplicated; the last of 13 consecutive T bases (chr12:68,696,794-68,696,806); duplicating any one gives the same sequence. VCF-style (leftmost placement, unchanged base first): chr12-68696793-C-CT. GRCh37 (hg19) VCF-style: chr12-69090573-C-CT.
Other names: c.362-13dup (NM_001330192.2).
Identifiers: ClinVar variation 1233029 (VCV001233029.5), dbSNP rs35640989, ClinGen allele CA6677430.
Genomic context (GRCh38, chr12:68,696,793, plus strand): 5'-AAATACATTTTCAAACAAACGGAATTACCTAGAAGTACGTCACTTAACTTTTCTTTATTC[C>CT]TTTTTTTTTTTTTGATGTGTTCTAGCATCCATGAGTATGTTTTCTGATTTCCTGCAGTCT-3'